The following is an entry in ClinVar:

ClinVar aggregate classification (germline): Likely pathogenic (1 of 4 stars; one submission).

Conditions:
Dilated cardiomyopathy 1G (CMD1G). Identifiers: Orphanet 154, MedGen C1858763, MONDO:0011400, OMIM 604145.
Autosomal recessive limb-girdle muscular dystrophy type 2J (LGMDR10). Also called: Limb-girdle muscular dystrophy, type 2J; MUSCULAR DYSTROPHY, LIMB-GIRDLE, AUTOSOMAL RECESSIVE 10. Identifiers: Orphanet 140922, MedGen C1837342, MONDO:0012127, OMIM 608807.

Submission:

Labcorp Genetics (formerly Invitae), Labcorp
Classification: Likely pathogenic for Dilated cardiomyopathy 1G; Autosomal recessive limb-girdle muscular dystrophy type 2J. Last evaluated: 2022-07-13. Review status: criteria provided, single submitter. Criteria: Invitae Variant Classification Sherloc (09022015). Collection method: clinical testing. Allele origin: germline.
Comment: In summary, the currently available evidence indicates that the variant is pathogenic, but additional data are needed to prove that conclusively. Therefore, this variant has been classified as Likely Pathogenic. This variant is located in the A band of TTN (PMID: 25589632). Truncating variants in this region are significantly overrepresented in patients affected with dilated cardiomyopathy (PMID: 25589632). Truncating variants in this region have also been reported in individuals affected with autosomal recessive centronuclear myopathy (PMID: 23975875). Algorithms developed to predict the effect of sequence changes on RNA splicing suggest that this variant may create or strengthen a splice site. This sequence change creates a premature translational stop signal (p.Trp18806*) in the TTN gene. While this is not anticipated to result in nonsense mediated decay, it is expected to create a truncated TTN protein. This variant is not present in population databases (gnomAD no frequency). ClinVar contains an entry for this variant (Variation ID: 1487280). This variant has not been reported in the literature in individuals affected with TTN-related conditions.

Literature cited by the submitters: PubMed 25589632; PubMed 23975875.

NM_001267550.2(TTN):c.56417G>A (p.Trp18806Ter)

Genes: TTN-AS1 (TTN antisense RNA 1; plus strand), TTN (titin; minus strand). Cytogenetic location: 2q31.2.
Variant type: single nucleotide variant.
Coding change: c.56417G>A on transcript NM_001267550.2 (MANE Select); coding-DNA position 56417, G replaced by A.
Protein change: p.Trp18806Ter; replaces tryptophan 18806 with a stop codon.
Molecular consequence: nonsense.
Genome position (GRCh38, 1-based): chr2:178,599,376, C>T on the plus strand (G>A on the coding strand, the complement: TTN is on the minus strand). VCF-style: chr2-178599376-C-T. GRCh37 (hg19) VCF-style: chr2-179464103-C-T.
Other names: c.51494G>A, p.Trp17165Ter (NM_001256850.1); c.29222G>A, p.Trp9741Ter (NM_003319.4); c.48713G>A, p.Trp16238Ter (NM_133378.4); c.29597G>A, p.Trp9866Ter (NM_133432.3); c.29798G>A, p.Trp9933Ter (NM_133437.4); short protein forms W16238*, W18806*, W9933*, W17165*, W9741*, W9866*.
Identifiers: ClinVar variation 1487280 (VCV001487280.6), dbSNP rs2154191239, ClinGen allele CA349532257.